The following is an entry in ClinVar:

ClinVar aggregate classification (germline): Uncertain significance (1 of 4 stars; one submission).

Allele frequency attached by ClinVar (database versions not stated): gnomAD exomes below 0.00001; ExAC 0.00001; gnomAD 0.00001; TOPMed 0.00001.
gnomAD v4.1: 4 of 1,548,292 alleles (0.00026%); highest among the groups gnomAD compares: Admixed American, 0.0018%; no homozygotes.

Submission:

Laboratory for Molecular Medicine, Mass General Brigham Personalized Medicine
Classification: Uncertain significance. Last evaluated: 2021-12-16. Review status: criteria provided, single submitter. Criteria: ACMG Guidelines, 2015. Collection method: clinical testing. Allele origin: germline.
Comment: The p.Cys72Tyr variant in OTOGL has not been previously reported in individuals with hearing loss but has been identified in 0.00098% (1/102300) of European chromosomes by gnomAD. Computational prediction tools and conservation analyses suggest that this variant may impact the protein, though this information is not predictive enough to determine pathogenicity. In summary, the clinical significance of this variant is uncertain. ACMG/AMP Criteria applied: PM2_Supporting, PP3.

NM_001378609.3(OTOGL):c.242G>A (p.Cys81Tyr)

Gene: OTOGL (otogelin like; plus strand). Cytogenetic location: 12q21.31.
Variant type: single nucleotide variant.
Coding change: c.242G>A on transcript NM_001378609.3 (MANE Select); coding-DNA position 242, G replaced by A.
Protein change: p.Cys81Tyr; replaces cysteine 81 with tyrosine.
Molecular consequence: missense variant.
Genome position (GRCh38, 1-based): chr12:80,219,820, G>A. VCF-style: chr12-80219820-G-A. GRCh37 (hg19) VCF-style: chr12-80613600-G-A.
Other names: c.242G>A, p.Cys81Tyr (NM_001368062.3, NM_001378610.3, NM_173591.7); short protein forms C72Y, C81Y.
Identifiers: ClinVar variation 229112 (VCV000229112.6), dbSNP rs775349315, ClinGen allele CA6700118.
Genomic context (GRCh38, chr12:80,219,820, plus strand): 5'-TTAAAAGAACAAATGGATGCCAGAAGATAACTTTTTTTTTTTTTTCCCCCTCAGGTTCTT[G>A]TCCTTATGAATGCCTTAATGGAGCTTTCTGTTCTAAGACTGGAACATGTGACTGTCAAAT-3'
Protein context (NP_001365538.2, residues 71-91): NWGESKIKGS[Cys81Tyr]PYECLNGAFC